The following is an entry in ClinVar:

NM_032043.3(BRIP1):c.1591T>G (p.Phe531Val)

Gene: BRIP1 (BRCA1 interacting DNA helicase 1; minus strand). Cytogenetic location: 17q23.2.
Variant type: single nucleotide variant.
Coding change: c.1591T>G on transcript NM_032043.3 (MANE Select); coding-DNA position 1591, T replaced by G.
Protein change: p.Phe531Val; replaces phenylalanine 531 with valine.
Molecular consequence: missense variant.
Genome position (GRCh38, 1-based): chr17:61,784,307, A>C on the plus strand (T>G on the coding strand, the complement: BRIP1 is on the minus strand). VCF-style: chr17-61784307-A-C. GRCh37 (hg19) VCF-style: chr17-59861668-A-C.
Other names: short protein forms F531V.
Identifiers: ClinVar variation 219552 (VCV000219552.27), dbSNP rs4988350, ClinGen allele CA350456.
Genomic context (GRCh38, chr17:61,784,307, plus strand): 5'-ACATACTAGTTATCTTCACTTACCTGCTATTTTGCCTAAAAAGATAGTCAAGTACCATAA[A>C]AAGTCCTTTAAGCATTATTTGAGTTGATGCACTAATAACAGGTACTTCTCTTGCCTCCTC-3'
Protein context (NP_114432.2, residues 521-541): ASTQIMLKGL[Phe531Val]MVLDYLFRQN

ClinVar aggregate classification (germline): Uncertain significance. Review status: criteria provided, multiple submitters, no conflicts (2 of 4 stars). 8 submissions from 8 submitters: Uncertain significance (7). 1 of the submissions does not count toward it. Last evaluated 2026-01-10.

Conditions:
Ovarian cancer. Also called: OVARIAN CANCER, SOMATIC. Identifiers: Orphanet 213500, MedGen C1140680, MONDO:0008170, OMIM 167000.
Fanconi anemia complementation group J. Also called: BRIP1-Related Fanconi Anemia. Identifiers: Orphanet 84, MedGen C1836860, MONDO:0012187, OMIM 609054.
Familial cancer of breast. Also called: Hereditary breast cancer; BREAST CANCER, FAMILIAL; hereditary breast carcinoma. Identifiers: Orphanet 227535, MedGen C0346153, MONDO:0016419, OMIM 114480. Disease mechanism: loss of function.
Hereditary cancer-predisposing syndrome. Also called: Tumor predisposition; Hereditary Cancer Syndrome; Neoplastic Syndromes, Hereditary; Hereditary neoplastic syndrome. Identifiers: Orphanet 140162, MedGen C0027672, MeSH D009386, MONDO:0015356.

Allele frequency attached by ClinVar (database versions not stated): gnomAD exomes below 0.00001 and 0.00001.

Submissions (8):

Labcorp Genetics (formerly Invitae), Labcorp
Classification: Uncertain significance for Familial cancer of breast; Fanconi anemia complementation group J. Last evaluated: 2026-01-10. Review status: criteria provided, single submitter. Criteria: Invitae Variant Classification Sherloc (09022015). Collection method: clinical testing. Allele origin: germline.
Comment: This sequence change replaces phenylalanine, which is neutral and non-polar, with valine, which is neutral and non-polar, at codon 531 of the BRIP1 protein (p.Phe531Val). This variant is present in population databases (rs4988350, gnomAD 0.0009%). This variant has not been reported in the literature in individuals affected with BRIP1-related conditions. ClinVar contains an entry for this variant (Variation ID: 219552). Invitae Evidence Modeling of protein sequence and biophysical properties (such as structural, functional, and spatial information, amino acid conservation, physicochemical variation, residue mobility, and thermodynamic stability) has been performed for this missense variant. However, the output from this modeling did not meet the statistical confidence thresholds required to predict the impact of this variant on BRIP1 protein function. In summary, the available evidence is currently insufficient to determine the role of this variant in disease. Therefore, it has been classified as a Variant of Uncertain Significance.

Women's Health and Genetics/Laboratory Corporation of America, LabCorp
Classification: Uncertain significance. Last evaluated: 2025-02-10. Review status: criteria provided, single submitter. Criteria: LabCorp Variant Classification Summary - May 2015. Collection method: clinical testing. Allele origin: germline.
Comment: Variant summary: BRIP1 c.1591T>G (p.Phe531Val) results in a non-conservative amino acid change in the encoded protein sequence. Five of five in-silico tools predict a damaging effect of the variant on protein function. The variant allele was found at a frequency of 4e-06 in 251328 control chromosomes (gnomAD). The available data on variant occurrences in the general population are insufficient to allow any conclusion about variant significance. c.1591T>G has been reported in the literature (example: Easton_2016, Rebbeck_2009). These report(s) do not provide unequivocal conclusions about association of the variant with Hereditary Breast and Ovarian Cancer Syndrome. To our knowledge, no experimental evidence demonstrating an impact on protein function has been reported. The following publications have been ascertained in the context of this evaluation (PMID: 26921362, 19584272). ClinVar contains an entry for this variant (Variation ID: 219552). Based on the evidence outlined above, the variant was classified as uncertain significance.

Ambry Genetics
Classification: Uncertain significance for Hereditary cancer-predisposing syndrome. Last evaluated: 2024-12-23. Review status: criteria provided, single submitter. Criteria: Ambry Variant Classification Scheme 2023. Collection method: clinical testing. Allele origin: germline.
Comment: The p.F531V variant (also known as c.1591T>G), located in coding exon 10 of the BRIP1 gene, results from a T to G substitution at nucleotide position 1591. The phenylalanine at codon 531 is replaced by valine, an amino acid with highly similar properties. This amino acid position is highly conserved in available vertebrate species. In addition, the in silico prediction for this alteration is inconclusive. Based on the available evidence, the clinical significance of this variant remains unclear.

Color Diagnostics, LLC DBA Color Health
Classification: Uncertain significance for Hereditary cancer-predisposing syndrome. Last evaluated: 2024-12-11. Review status: criteria provided, single submitter. Criteria: ACMG Guidelines, 2015. Collection method: clinical testing. Allele origin: germline.
Comment: This missense variant replaces phenylalanine with valine at codon 531 of the BRIP1 protein. Computational prediction suggests that this variant may have deleterious impact on protein structure and function. To our knowledge, functional studies have not been reported for this variant. This variant has been reported in an individual affected with breast cancer in the literature (PMID: 12872252). This variant has been identified in 1/251328 chromosomes in the general population by the Genome Aggregation Database (gnomAD). The available evidence is insufficient to determine the role of this variant in disease conclusively. Therefore, this variant is classified as a Variant of Uncertain Significance.

Baylor Genetics
Classification: Uncertain significance for Familial cancer of breast. Last evaluated: 2023-10-05. Review status: criteria provided, single submitter. Criteria: ACMG Guidelines, 2015. Collection method: clinical testing. Allele origin: unknown.

Myriad Genetics, Inc.
Classification: Uncertain significance for Familial cancer of breast. Last evaluated: 2023-02-28. Review status: criteria provided, single submitter. Criteria: Myriad Autosomal Dominant, Autosomal Recessive and X-Linked Classification Criteria (2023). Collection method: clinical testing. Allele origin: unknown.
Comment: This variant is classified as a variant of uncertain significance as there is insufficient evidence to determine its impact on protein function and/or cancer risk.

GeneDx
Classification: Uncertain significance. Last evaluated: 2022-12-07. Review status: criteria provided, single submitter. Criteria: GeneDx Variant Classification Process June 2021. Collection method: clinical testing. Allele origin: germline. Affected: yes.
Comment: Not observed at significant frequency in large population cohorts (gnomAD); In silico analysis supports that this missense variant has a deleterious effect on protein structure/function; Observed in at least one patient with hereditary breast or ovarian cancer, who was known to be BRCA1/2 negative (Rutter et al., 2003); This variant is associated with the following publications: (PMID: 19584272, 26921362, 12872252)

Counsyl
Classification: Uncertain significance for Fanconi anemia complementation group J; Ovarian cancer. Last evaluated: 2017-01-04. Review status: no assertion criteria provided. Collection method: clinical testing. Allele origin: unknown. Not counted in ClinVar's aggregate classification.

Literature cited by the submitters: PubMed 19584272 (cited by Women's Health and Genetics/Laboratory Corporation of America, LabCorp and Ambry Genetics); PubMed 26921362 (cited by Women's Health and Genetics/Laboratory Corporation of America, LabCorp and Ambry Genetics); PubMed 12872252 (cited by 3 submitters).